The following is an entry in ClinVar:

NM_001036.6(RYR3):c.10760G>A (p.Ser3587Asn)

Gene: RYR3 (ryanodine receptor 3; plus strand). Cytogenetic location: 15q14.
Variant type: single nucleotide variant.
Coding change: c.10760G>A on transcript NM_001036.6 (MANE Select); coding-DNA position 10760, G replaced by A.
Protein change: p.Ser3587Asn; replaces serine 3587 with asparagine.
Molecular consequence: missense variant.
Genome position (GRCh38, 1-based): chr15:33,820,757, G>A. VCF-style: chr15-33820757-G-A. GRCh37 (hg19) VCF-style: chr15-34112958-G-A.
Other names: c.10745G>A, p.Ser3582Asn (NM_001243996.4); short protein forms S3582N, S3587N.
Identifiers: ClinVar variation 651427 (VCV000651427.1), dbSNP rs1423109122, ClinGen allele CA391586510.

ClinVar aggregate classification (germline): Uncertain significance (1 of 4 stars; one submission).

Conditions:
Epileptic encephalopathy. Identifiers: MedGen C0543888, HP:0200134.

Allele frequency attached by ClinVar (database versions not stated): gnomAD exomes below 0.00001 and 0.00001; TOPMed 0.00001.
gnomAD v4.1: 12 of 1,605,446 alleles (0.00075%); highest among the groups gnomAD compares: Non-Finnish European, 0.00094%; no homozygotes.

Submission:

Labcorp Genetics (formerly Invitae), Labcorp
Classification: Uncertain significance for Epileptic encephalopathy. Last evaluated: 2018-08-05. Review status: criteria provided, single submitter. Criteria: Invitae Variant Classification Sherloc (09022015). Collection method: clinical testing. Allele origin: germline.
Comment: This sequence change replaces serine with asparagine at codon 3587 of the RYR3 protein (p.Ser3587Asn). The serine residue is moderately conserved and there is a small physicochemical difference between serine and asparagine. This variant is not present in population databases (ExAC no frequency). This variant has not been reported in the literature in individuals with RYR3-related disease. Algorithms developed to predict the effect of missense changes on protein structure and function are either unavailable or do not agree on the potential impact of this missense change (SIFT: "Deleterious"; PolyPhen-2: "Benign"; Align-GVGD: "Class C0"). In summary, the available evidence is currently insufficient to determine the role of this variant in disease. Therefore, it has been classified as a Variant of Uncertain Significance.